The following is an entry in ClinVar:

NM_001111.5(ADAR):c.3365A>T (p.Lys1122Met)

Gene: ADAR (adenosine deaminase RNA specific; minus strand). Cytogenetic location: 1q21.3.
Variant type: single nucleotide variant.
Coding change: c.3365A>T on transcript NM_001111.5 (MANE Select); coding-DNA position 3365, A replaced by T.
Protein change: p.Lys1122Met; replaces lysine 1122 with methionine.
Molecular consequence: missense variant.
Genome position (GRCh38, 1-based): chr1:154,585,295, T>A on the plus strand (A>T on the coding strand, the complement: ADAR is on the minus strand). VCF-style: chr1-154585295-T-A. GRCh37 (hg19) VCF-style: chr1-154557771-T-A.
Other names: c.2480A>T, p.Lys827Met (NM_001365048.1, NM_001025107.3, NM_001193495.2 and 2 more transcripts); c.2402A>T, p.Lys801Met (NM_001365049.1); c.3287A>T, p.Lys1096Met (NM_015840.4); c.3230A>T, p.Lys1077Met (NM_015841.4); c.3392A>T, p.Lys1131Met (NM_001365045.1); short protein forms K1077M, K1096M, K1122M, K1131M, K801M, K827M.
Identifiers: ClinVar variation 3340424 (VCV003340424.1).

ClinVar aggregate classification (germline): Uncertain significance (1 of 4 stars; one submission).

Submission:

GeneDx
Classification: Uncertain significance. Last evaluated: 2023-09-07. Review status: criteria provided, single submitter. Criteria: GeneDx Variant Classification Process June 2021. Collection method: clinical testing. Allele origin: germline. Affected: yes.
Comment: Not observed at significant frequency in large population cohorts (gnomAD); In silico analysis supports that this missense variant has a deleterious effect on protein structure/function; This variant is associated with the following publications: (PMID: 27943079, 25604658)